The following is an entry in ClinVar:

NC_000007.13:g.(?_23183450)_(23183664_?)dup

Gene: KLHL7 (kelch like family member 7; plus strand). Cytogenetic location: 7p15.3.
Variant type: Duplication.
Identifiers: ClinVar variation 2423501 (VCV002423501.4).

ClinVar aggregate classification (germline): Likely pathogenic (1 of 4 stars; one submission).

Submission:

Labcorp Genetics (formerly Invitae), Labcorp
Classification: Likely pathogenic. Last evaluated: 2022-02-09. Review status: criteria provided, single submitter. Criteria: Invitae Variant Classification Sherloc (09022015). Collection method: clinical testing. Allele origin: germline.
Comment: This variant results in a copy number gain of the genomic region encompassing exon(s) 6 of the KLHL7 gene. While the exact position of this variant cannot be determined from the data, sub-genic copy number gains are generally in tandem (PMID: 25640679). This variant is predicted to be out-of-frame, and may result in an absent or disrupted protein product. Loss-of-function variants in KLHL7 are known to be pathogenic (PMID: 27392078, 29074562, 30426380, 31953236). This variant has not been reported in the literature in individuals affected with KLHL7-related conditions. In summary, the currently available evidence indicates that the variant is pathogenic, but additional data are needed to prove that conclusively. Therefore, this variant has been classified as Likely Pathogenic.

Literature cited by the submitters: PubMed 25640679; PubMed 27392078; PubMed 29074562; PubMed 30426380; PubMed 31953236.